The following is an entry in ClinVar:

ClinVar aggregate classification (germline): Uncertain significance (1 of 4 stars; one submission).

Conditions:
Cardiovascular phenotype. Identifiers: MedGen CN230736.

Allele frequency attached by ClinVar (database versions not stated): gnomAD exomes below 0.00001.
gnomAD v4.1: 1 of 1,613,704 alleles (0.000062%); highest among the groups gnomAD compares: African/African-American, 0.0013%; no homozygotes.

Submission:

Ambry Genetics
Classification: Uncertain significance for Cardiovascular phenotype. Last evaluated: 2020-06-08. Review status: criteria provided, single submitter. Criteria: Ambry Variant Classification Scheme 2023. Collection method: clinical testing. Allele origin: germline.
Comment: The p.V18487G variant (also known as c.55460T>G), located in coding exon 153 of the TTN gene, results from a T to G substitution at nucleotide position 55460. The valine at codon 18487 is replaced by glycine, an amino acid with dissimilar properties. This amino acid position is well conserved in available vertebrate species. In addition, this alteration is predicted to be tolerated by in silico analysis. Since supporting evidence is limited at this time, the clinical significance of this alteration remains unclear.

NM_001267550.2(TTN):c.82655T>G (p.Val27552Gly)

Genes: TTN (titin; minus strand), TTN-AS1 (TTN antisense RNA 1; plus strand). Cytogenetic location: 2q31.2.
Variant type: single nucleotide variant.
Coding change: c.82655T>G on transcript NM_001267550.2 (MANE Select); coding-DNA position 82655, T replaced by G.
Protein change: p.Val27552Gly; replaces valine 27552 with glycine.
Molecular consequence: missense variant.
Genome position (GRCh38, 1-based): chr2:178,563,477, A>C on the plus strand (T>G on the coding strand, the complement: TTN is on the minus strand). VCF-style: chr2-178563477-A-C. GRCh37 (hg19) VCF-style: chr2-179428204-A-C.
Other names: c.77732T>G, p.Val25911Gly (NM_001256850.1); c.55460T>G, p.Val18487Gly (NM_003319.4); c.74951T>G, p.Val24984Gly (NM_133378.4); c.55835T>G, p.Val18612Gly (NM_133432.3); c.56036T>G, p.Val18679Gly (NM_133437.4); short protein forms V18487G, V27552G, V25911G, V18612G, V18679G, V24984G.
Identifiers: ClinVar variation 1748213 (VCV001748213.2), dbSNP rs1215140042, ClinGen allele CA349572446.